The following is an entry in ClinVar:

ClinVar aggregate classification (germline): Conflicting classifications of pathogenicity. Review status: criteria provided, conflicting classifications (1 of 4 stars). 2 submissions from 2 submitters: Uncertain significance (1); Likely benign (1). Last evaluated 2025-08-11.

Conditions:
Autosomal recessive limb-girdle muscular dystrophy type 2W (MDRCMTT). Also called: Muscular dystrophy, limb-girdle, type 2W; Muscular dystrophy, autosomal recessive, with cardiomyopathy and triangular tongue. Identifiers: MedGen C4225192, MONDO:0014788, OMIM 616827.

Allele frequency attached by ClinVar (database versions not stated): gnomAD exomes below 0.00001; TOPMed 0.00001; gnomAD 0.00004.
gnomAD v4.1: 9 of 1,563,936 alleles (0.00058%); highest among the groups gnomAD compares: African/African-American, 0.011%; no homozygotes.

Submissions (2):

Labcorp Genetics (formerly Invitae), Labcorp
Classification: Uncertain significance for Autosomal recessive limb-girdle muscular dystrophy type 2W. Last evaluated: 2025-08-11. Review status: criteria provided, single submitter. Criteria: Invitae Variant Classification Sherloc (09022015). Collection method: clinical testing. Allele origin: germline.
Comment: This sequence change replaces asparagine, which is neutral and polar, with serine, which is neutral and polar, at codon 187 of the LIMS2 protein (p.Asn187Ser). This variant is present in population databases (no rsID available, gnomAD 0.01%). This variant has not been reported in the literature in individuals affected with LIMS2-related conditions. ClinVar contains an entry for this variant (Variation ID: 3118917). Invitae Evidence Modeling of protein sequence and biophysical properties (such as structural, functional, and spatial information, amino acid conservation, physicochemical variation, residue mobility, and thermodynamic stability) indicates that this missense variant is not expected to disrupt LIMS2 protein function with a negative predictive value of 80%. In summary, the available evidence is currently insufficient to determine the role of this variant in disease. Therefore, it has been classified as a Variant of Uncertain Significance.

Ambry Genetics
Classification: Likely benign. Last evaluated: 2024-01-23. Review status: criteria provided, single submitter. Criteria: Ambry Variant Classification Scheme 2023. Collection method: clinical testing. Allele origin: germline.

NM_001161403.3(LIMS2):c.494A>G (p.Asn165Ser)

Gene: LIMS2 (LIM zinc finger domain containing 2; minus strand). Cytogenetic location: 2q14.3.
Variant type: single nucleotide variant.
Coding change: c.494A>G on transcript NM_001161403.3 (MANE Select); coding-DNA position 494, A replaced by G.
Protein change: p.Asn165Ser; replaces asparagine 165 with serine.
Molecular consequence: missense variant.
Genome position (GRCh38, 1-based): chr2:127,642,938, T>C on the plus strand (A>G on the coding strand, the complement: LIMS2 is on the minus strand). VCF-style: chr2-127642938-T-C. GRCh37 (hg19) VCF-style: chr2-128400513-T-C.
Other names: c.560A>G, p.Asn187Ser (NM_001136037.4); c.479A>G, p.Asn160Ser (NM_001161404.2); c.38A>G, p.Asn13Ser (NM_001161405.1, NM_001256542.2); c.566A>G, p.Asn189Ser (NM_017980.5); short protein forms N160S, N187S, N13S, N189S, N165S.
Identifiers: ClinVar variation 3118917 (VCV003118917.2), dbSNP rs1432539290, ClinGen allele CA348425684.
Genomic context (GRCh38, chr2:127,642,938, plus strand): 5'-CTGGCTCCCCGCCCCCACAACTGCAGGGCCGGGCTGCGCACCTACCCACAGTGGGTGCAG[T>C]TGAAGTGGTCAGGGTGGTAGGCGTCGCTCCTGAACATGAGGGGCTGCTCGTCGATGACCA-3'
Protein context (NP_001154875.1, residues 155-175): RSDAYHPDHF[Asn165Ser]CTHCGKELTA